The following is an entry in ClinVar:

ClinVar aggregate classification (germline): Uncertain significance. Review status: criteria provided, multiple submitters, no conflicts (2 of 4 stars). 2 submissions from 2 submitters: Uncertain significance (2). Last evaluated 2023-08-14.

Conditions:
EIF2AK4-related disorder. Also called: EIF2AK4-related condition.

Allele frequency attached by ClinVar (database versions not stated): ExAC 0.00014; gnomAD exomes 0.00018; 1000 Genomes Project 0.00020; 1000 Genomes Project 30x 0.00031; ESP Exome Variant Server 0.00033; gnomAD 0.00042 and 0.00043; TOPMed 0.00046.
gnomAD v4.1: 717 of 1,608,044 alleles (0.045%); highest among the groups gnomAD compares: African/African-American, 0.1%; no homozygotes.

Submissions (2):

PreventionGenetics, part of Exact Sciences
Classification: Uncertain significance for EIF2AK4-related condition. Last evaluated: 2023-08-14. Review status: criteria provided, single submitter. Criteria: ACMG Guidelines, 2015. Collection method: clinical testing. Allele origin: germline.
Comment: The EIF2AK4 c.4115T>C variant is predicted to result in the amino acid substitution p.Ile1372Thr. To our knowledge, this variant has not been reported in the literature. This variant is reported in 0.095% of alleles in individuals of African descent in gnomAD. At this time, the clinical significance of this variant is uncertain due to the absence of conclusive functional and genetic evidence.

Labcorp Genetics (formerly Invitae), Labcorp
Classification: Uncertain significance. Last evaluated: 2021-10-08. Review status: criteria provided, single submitter. Criteria: Invitae Variant Classification Sherloc (09022015). Collection method: clinical testing. Allele origin: germline.
Comment: This sequence change replaces isoleucine with threonine at codon 1372 of the EIF2AK4 protein (p.Ile1372Thr). The isoleucine residue is weakly conserved and there is a moderate physicochemical difference between isoleucine and threonine. This variant is present in population databases (rs201279777, ExAC 0.03%). This variant has not been reported in the literature in individuals affected with EIF2AK4-related conditions. Algorithms developed to predict the effect of missense changes on protein structure and function are either unavailable or do not agree on the potential impact of this missense change (SIFT: "Deleterious"; PolyPhen-2: "Benign"; Align-GVGD: "Class C0"). In summary, the available evidence is currently insufficient to determine the role of this variant in disease. Therefore, it has been classified as a Variant of Uncertain Significance.

NM_001013703.4(EIF2AK4):c.4115T>C (p.Ile1372Thr)

Gene: EIF2AK4 (eukaryotic translation initiation factor 2 alpha kinase 4; plus strand). Cytogenetic location: 15q15.1.
Variant type: single nucleotide variant.
Coding change: c.4115T>C on transcript NM_001013703.4 (MANE Select); coding-DNA position 4115, T replaced by C.
Protein change: p.Ile1372Thr; replaces isoleucine 1372 with threonine.
Molecular consequence: missense variant.
Genome position (GRCh38, 1-based): chr15:40,019,142, T>C. VCF-style: chr15-40019142-T-C. GRCh37 (hg19) VCF-style: chr15-40311343-T-C.
Other names: c.4115T>C (NM_001013703.3); short protein forms I1372T.
Identifiers: ClinVar variation 1418081 (VCV001418081.3), dbSNP rs201279777, ClinGen allele CA7474521.
Genomic context (GRCh38, chr15:40,019,142, plus strand): 5'-TCTCTCCACAGATTCCCCAGTTTAGAGGGCCACAAGCTCTGGGGCCAGTTCCCACTGCCA[T>C]TGGGGTCAGCATAGCTATAGACAAGATATCTGCTGCTGTCCTCAACATGGAGGAATCTGT-3'
Protein context (NP_001013725.2, residues 1362-1382): PQALGPVPTA[Ile1372Thr]GVSIAIDKIS